The following is an entry in ClinVar:

ClinVar aggregate classification (germline): Uncertain significance (1 of 4 stars; one submission).

Conditions:
Accelerated tumor formation, susceptibility to (ACTFS). Identifiers: MedGen C3280690, OMIM 614401, MONDO:0013733.

Allele frequency attached by ClinVar (database versions not stated): TOPMed 0.00020; ExAC 0.00021; gnomAD exomes 0.00024 and 0.00040; 1000 Genomes Project 30x 0.00016; ESP Exome Variant Server 0.00017; 1000 Genomes Project 0.00020.
gnomAD v4.1: 614 of 1,613,872 alleles (0.038%); highest among the groups gnomAD compares: Non-Finnish European, 0.05%; 1 homozygote.

Submission:

Labcorp Genetics (formerly Invitae), Labcorp
Classification: Uncertain significance for Accelerated tumor formation, susceptibility to. Last evaluated: 2025-07-27. Review status: criteria provided, single submitter. Criteria: Invitae Variant Classification Sherloc (09022015). Collection method: clinical testing. Allele origin: germline.
Comment: This sequence change replaces leucine, which is neutral and non-polar, with phenylalanine, which is neutral and non-polar, at codon 321 of the MDM2 protein (p.Leu321Phe). This variant is present in population databases (rs78419579, gnomAD 0.05%), and has an allele count higher than expected for a pathogenic variant. This variant has not been reported in the literature in individuals affected with MDM2-related conditions. ClinVar contains an entry for this variant (Variation ID: 941253). An algorithm developed to predict the effect of missense changes on protein structure and function (PolyPhen-2) suggests that this variant is likely to be disruptive. In summary, the available evidence is currently insufficient to determine the role of this variant in disease. Therefore, it has been classified as a Variant of Uncertain Significance.

NM_002392.6(MDM2):c.961C>T (p.Leu321Phe)

Gene: MDM2 (MDM2 proto-oncogene; plus strand). Cytogenetic location: 12q15.
Variant type: single nucleotide variant.
Coding change: c.961C>T on transcript NM_002392.6 (MANE Select); coding-DNA position 961, C replaced by T.
Protein change: p.Leu321Phe; replaces leucine 321 with phenylalanine.
Molecular consequence: missense variant.
Genome position (GRCh38, 1-based): chr12:68,839,316, C>T. VCF-style: chr12-68839316-C-T. GRCh37 (hg19) VCF-style: chr12-69233096-C-T.
Other names: c.802C>T, p.Leu268Phe (NM_001145337.3); c.796C>T, p.Leu266Phe (NM_001145339.2); c.355C>T, p.Leu119Phe (NM_001145340.3); c.433C>T, p.Leu145Phe (NM_001278462.2); c.943C>T, p.Leu315Phe (NM_001367990.1); short protein forms L119F, L145F, L266F, L268F, L315F, L321F.
Identifiers: ClinVar variation 941253 (VCV000941253.8), dbSNP rs78419579, ClinGen allele CA6678843.
Genomic context (GRCh38, chr12:68,839,316, plus strand): 5'-TGTCTTATTTCATTGAAGGACTATTGGAAATGCACTTCATGCAATGAAATGAATCCCCCC[C>T]TTCCATCACATTGCAACAGATGTTGGGCCCTTCGTGAGAATTGGCTTCCTGAAGATAAAG-3'
Protein context (NP_002383.2, residues 311-331): CTSCNEMNPP[Leu321Phe]PSHCNRCWAL